The following is an entry in ClinVar:

NM_001194998.2(CEP152):c.2019G>A (p.Arg673=)

Gene: CEP152 (centrosomal protein 152; minus strand). Cytogenetic location: 15q21.1.
Variant type: single nucleotide variant.
Coding change: c.2019G>A on transcript NM_001194998.2 (MANE Select); coding-DNA position 2019, G replaced by A.
Protein change: p.Arg673=; no amino-acid change (arginine 673 retained).
Molecular consequence: synonymous variant.
Genome position (GRCh38, 1-based): chr15:48,767,463, C>T on the plus strand (G>A on the coding strand, the complement: CEP152 is on the minus strand). VCF-style: chr15-48767463-C-T. GRCh37 (hg19) VCF-style: chr15-49059660-C-T.
Other names: c.2019G>A, p.Arg673= (NM_014985.4).
Identifiers: ClinVar variation 158239 (VCV000158239.8), dbSNP rs587783418, ClinGen allele CA211022.

ClinVar aggregate classification (germline): Conflicting classifications of pathogenicity. Review status: criteria provided, conflicting classifications (1 of 4 stars). 3 submissions from 3 submitters: Uncertain significance (1); Likely benign (2). Last evaluated 2026-07-01.

Conditions:
Inborn genetic diseases. Identifiers: MedGen C0950123, MeSH D030342.
Microcephaly 9, primary, autosomal recessive. Identifiers: Orphanet 2512, MedGen C3553886, MONDO:0013923, OMIM 614852.

Allele frequency attached by ClinVar (database versions not stated): gnomAD 0.00001; TOPMed 0.00006.

Submissions (3):

CeGaT Center for Human Genetics Tuebingen
Classification: Likely benign. Last evaluated: 2026-07-01. Review status: criteria provided, single submitter. Criteria: CeGaT Center For Human Genetics Tuebingen Variant Classification Criteria Version 2. Collection method: clinical testing. Allele origin: germline. Affected: yes. Observed: 1 variant allele.
Comment: CEP152: BP4, BP7

Ambry Genetics
Classification: Likely benign for Inborn genetic diseases. Last evaluated: 2025-11-26. Review status: criteria provided, single submitter. Criteria: Ambry Variant Classification Scheme 2023. Collection method: clinical testing. Allele origin: germline.

Genetic Services Laboratory, University of Chicago
Classification: Uncertain significance for Microcephaly 9, primary, autosomal recessive. Last evaluated: 2013-08-02. Review status: criteria provided, single submitter. Criteria: ACMG Guidelines, 2007. Collection method: clinical testing. Allele origin: germline. Inheritance: Autosomal recessive inheritance.